The following is an entry in ClinVar:

ClinVar aggregate classification (germline): Conflicting classifications of pathogenicity. Review status: criteria provided, conflicting classifications (1 of 4 stars). 3 submissions from 3 submitters: Uncertain significance (2); Likely benign (1). Last evaluated 2026-02-27.

Conditions:
Inborn genetic diseases. Identifiers: MedGen C0950123, MeSH D030342.
CREBBP-related disorder. Also called: CREBBP-related condition; CREBBP-related disorders.

Allele frequency attached by ClinVar (database versions not stated): ExAC 0.00001; gnomAD 0.00001; TOPMed 0.00001; gnomAD exomes 0.00003.

Submissions (3):

PreventionGenetics, part of Exact Sciences
Classification: Uncertain significance for CREBBP-related condition. Last evaluated: 2026-02-27. Review status: criteria provided, single submitter. Criteria: ACMG Guidelines, 2015. Collection method: clinical testing. Allele origin: germline.
Comment: The CREBBP c.2365G>A variant is predicted to result in the amino acid substitution p.Ala789Thr. This variant has been reported as inherited from a presumably unaffected parent and in the compound heterozygous state with another inherited CREBP variant in an individual with Rubinstein–Taybi syndrome and was assessed as benign by authors (Spena et al. 2014. PubMed ID: 25388907). This variant is reported in 0.0026% of alleles in individuals of European (Non-Finnish) descent in gnomAD. At this time, the clinical significance of this variant is uncertain due to the absence of conclusive functional and genetic evidence.

Revvity Omics, Revvity
Classification: Uncertain significance. Last evaluated: 2022-01-20. Review status: criteria provided, single submitter. Criteria: ACMG Guidelines, 2015. Collection method: clinical testing. Allele origin: germline.

Ambry Genetics
Classification: Likely benign for Inborn genetic diseases. Last evaluated: 2017-10-12. Review status: criteria provided, single submitter. Criteria: Ambry Variant Classification Scheme 2023. Collection method: clinical testing. Allele origin: germline.

Literature cited by the submitters: PubMed 25388907 (cited by Ambry Genetics).

NM_004380.3(CREBBP):c.2365G>A (p.Ala789Thr)

Gene: CREBBP (CREB binding lysine acetyltransferase; minus strand). Cytogenetic location: 16p13.3.
Variant type: single nucleotide variant.
Coding change: c.2365G>A on transcript NM_004380.3 (MANE Select); coding-DNA position 2365, G replaced by A.
Protein change: p.Ala789Thr; replaces alanine 789 with threonine.
Molecular consequence: missense variant.
Genome position (GRCh38, 1-based): chr16:3,773,849, C>T on the plus strand (G>A on the coding strand, the complement: CREBBP is on the minus strand). VCF-style: chr16-3773849-C-T. GRCh37 (hg19) VCF-style: chr16-3823850-C-T.
Other names: c.2251G>A, p.Ala751Thr (NM_001079846.1); short protein forms A789T, A751T.
Identifiers: ClinVar variation 1790210 (VCV001790210.6), dbSNP rs746728741, ClinGen allele CA7870152.